The following is an entry in ClinVar:

NM_015295.3(SMCHD1):c.4795C>G (p.Leu1599Val)

Gene: SMCHD1 (structural maintenance of chromosomes flexible hinge domain containing 1; plus strand). Cytogenetic location: 18p11.32.
Variant type: single nucleotide variant.
Coding change: c.4795C>G on transcript NM_015295.3 (MANE Select); coding-DNA position 4795, C replaced by G.
Protein change: p.Leu1599Val; replaces leucine 1599 with valine.
Molecular consequence: missense variant.
Genome position (GRCh38, 1-based): chr18:2,769,769, C>G. VCF-style: chr18-2769769-C-G. GRCh37 (hg19) VCF-style: chr18-2769767-C-G.
Other names: short protein forms L1599V.
Identifiers: ClinVar variation 3638142 (VCV003638142.2).

ClinVar aggregate classification (germline): Uncertain significance (1 of 4 stars; one submission).

Conditions:
Facioscapulohumeral muscular dystrophy 2 (FSHD2). Also called: MUSCULAR DYSTROPHY, FACIOSCAPULOHUMERAL, TYPE 1B; FACIOSCAPULOHUMERAL MUSCULAR DYSTROPHY 2, DIGENIC; FSHD2, DIGENIC. Identifiers: Orphanet 269, MedGen C1834671, MONDO:0008031, OMIM 158901.

gnomAD v4.1: 4 of 1,604,448 alleles (0.00025%); highest among the groups gnomAD compares: Admixed American, 0.0068%; no homozygotes.

Submission:

Labcorp Genetics (formerly Invitae), Labcorp
Classification: Uncertain significance for Facioscapulohumeral muscular dystrophy 2. Last evaluated: 2024-02-18. Review status: criteria provided, single submitter. Criteria: Invitae Variant Classification Sherloc (09022015). Collection method: clinical testing. Allele origin: germline.
Comment: This sequence change replaces leucine, which is neutral and non-polar, with valine, which is neutral and non-polar, at codon 1599 of the SMCHD1 protein (p.Leu1599Val). This variant is not present in population databases (gnomAD no frequency). This variant has not been reported in the literature in individuals affected with SMCHD1-related conditions. Advanced modeling of protein sequence and biophysical properties (such as structural, functional, and spatial information, amino acid conservation, physicochemical variation, residue mobility, and thermodynamic stability) performed at Invitae indicates that this missense variant is not expected to disrupt SMCHD1 protein function with a negative predictive value of 80%. In summary, the available evidence is currently insufficient to determine the role of this variant in disease. Therefore, it has been classified as a Variant of Uncertain Significance.